The following is an entry in ClinVar:

ClinVar aggregate classification (germline): Pathogenic (1 of 4 stars; one submission).

Conditions:
Hereditary cancer-predisposing syndrome. Also called: Neoplastic Syndromes, Hereditary; Tumor predisposition; Hereditary Cancer Syndrome; Hereditary neoplastic syndrome. Identifiers: Orphanet 140162, MedGen C0027672, MeSH D009386, MONDO:0015356.

Submission:

Ambry Genetics
Classification: Pathogenic for Hereditary cancer-predisposing syndrome. Last evaluated: 2015-10-09. Review status: criteria provided, single submitter. Criteria: Ambry Variant Classification Scheme 2023. Collection method: clinical testing. Allele origin: germline.
Comment: The c.83delA pathogenic mutation, located in coding exon 2 of the PALB2 gene, results from a deletion of one nucleotide at nucleotide position 83, causing a translational frameshift with a predicted alternate stop codon. Since frameshifts are typically deleterious in nature, this alteration is interpreted as a disease-causing mutation (ACMG Recommendations for Standards for Interpretation and Reporting of Sequence Variations. Revision 2007. Genet Med. 2008;10:294).

NM_024675.4(PALB2):c.83del (p.Tyr28fs)

Gene: PALB2 (partner and localizer of BRCA2; minus strand). Cytogenetic location: 16p12.2.
Variant type: Deletion.
Coding change: c.83del on transcript NM_024675.4 (MANE Select); coding-DNA position 83, one base deleted (A; older notation c.83delA).
Protein change: p.Tyr28fs; shifts the reading frame from tyrosine 28.
Molecular consequence: frameshift variant.
Genome position (GRCh38, 1-based): chr16:23,638,095, T deleted on the plus strand (A on the coding strand, the reverse complement: PALB2 is on the minus strand). VCF-style (leftmost placement, unchanged base first): chr16-23638094-GT-G. GRCh37 (hg19) VCF-style: chr16-23649415-GT-G.
Other names: c.83delA, p.Tyr28Serfs (NM_001407297.1, NM_001407298.1, NM_001407299.1 and 3 more transcripts); c.-803delA (NM_001407304.1, NM_001407305.1, NM_001407306.1 and 5 more transcripts); short protein forms Y28fs.
Identifiers: ClinVar variation 1763240 (VCV001763240.2), dbSNP rs2506540052, ClinGen allele CA2580091394.
Genomic context (GRCh38, chr16:23,638,094, plus strand): 5'-CTATAACACCTTAATTTGAGAATACGATTCACTTACCTGAAGGCGGGCTAGTGTCTTGCT[GT>G]ATTCCCTTTTCAAGAATGCTAATTTCTCCTTTAACTGGAAGAAGAAAAACACCAACAATA-3'